The following is an entry in ClinVar:

ClinVar aggregate classification (germline): Uncertain significance. Review status: criteria provided, multiple submitters, no conflicts (2 of 4 stars). 2 submissions from 2 submitters: Uncertain significance (2). Last evaluated 2026-01-07.

Conditions:
Inborn genetic diseases. Identifiers: MedGen C0950123, MeSH D030342.
Congenital myasthenic syndrome 4A. Also called: CONGENITAL MYASTHENIC SYNDROME TYPE Ia1; Myasthenic syndrome, congenital, 4a, slow-channel; MYASTHENIC SYNDROME, CONGENITAL, 4A, SLOW-CHANNEL, AUTOSOMAL RECESSIVE. Identifiers: Orphanet 590, MedGen C4225413, MONDO:0011600, OMIM 605809.

Allele frequency attached by ClinVar (database versions not stated): TOPMed 0.00001.

Submissions (2):

Labcorp Genetics (formerly Invitae), Labcorp
Classification: Uncertain significance for Congenital myasthenic syndrome 4A. Last evaluated: 2026-01-07. Review status: criteria provided, single submitter. Criteria: Invitae Variant Classification Sherloc (09022015). Collection method: clinical testing. Allele origin: germline.
Comment: This sequence change replaces lysine, which is basic and polar, with methionine, which is neutral and non-polar, at codon 187 of the CHRNE protein (p.Lys187Met). This variant is not present in population databases (gnomAD no frequency). This variant has not been reported in the literature in individuals affected with CHRNE-related conditions. ClinVar contains an entry for this variant (Variation ID: 2052263). Invitae Evidence Modeling of protein sequence and biophysical properties (such as structural, functional, and spatial information, amino acid conservation, physicochemical variation, residue mobility, and thermodynamic stability) indicates that this missense variant is not expected to disrupt CHRNE protein function with a negative predictive value of 95%. In summary, the available evidence is currently insufficient to determine the role of this variant in disease. Therefore, it has been classified as a Variant of Uncertain Significance.

Ambry Genetics
Classification: Uncertain significance for Inborn genetic diseases. Last evaluated: 2025-10-14. Review status: criteria provided, single submitter. Criteria: Ambry Variant Classification Scheme 2023. Collection method: clinical testing. Allele origin: germline.

NM_000080.4(CHRNE):c.560A>T (p.Lys187Met)

Genes: C17orf107 (chromosome 17 open reading frame 107; plus strand), CHRNE (cholinergic receptor nicotinic epsilon subunit; minus strand). Cytogenetic location: 17p13.2.
Variant type: single nucleotide variant.
Coding change: c.560A>T on transcript NM_000080.4 (MANE Select); coding-DNA position 560, A replaced by T.
Protein change: p.Lys187Met; replaces lysine 187 with methionine.
Molecular consequence: missense variant. On other transcripts: 3 prime UTR variant (1).
Genome position (GRCh38, 1-based): chr17:4,901,566, T>A on the plus strand (A>T on the coding strand, the complement: CHRNE is on the minus strand). VCF-style: chr17-4901566-T-A. GRCh37 (hg19) VCF-style: chr17-4804861-T-A.
Other names: c.560A>T (NM_000080.3); c.*1033T>A (NM_001145536.2); short protein forms K187M.
Identifiers: ClinVar variation 2052263 (VCV002052263.4), dbSNP rs1969985566, ClinGen allele CA397305890.
Genomic context (GRCh38, chr17:4,901,566, plus strand): 5'-GAGCAGGCAGGGGCTTCACCAGTATAGGCCTCTGTGTCGATGTCGATCTTGTTGATGGTC[T>A]TGCCGTCGTTGTCTACGGCAAAAGTGAACTCCACCTCTTCGGCATTGTACGTCTGAGAGC-3'
Protein context (NP_000071.1, residues 177-197): EFTFAVDNDG[Lys187Met]TINKIDIDTE